The following is an entry in ClinVar:

NM_018946.4(NANS):c.207del (p.Arg69fs)

Genes: NANS (N-acetylneuraminate synthase; plus strand), TRIM14 (tripartite motif containing 14; minus strand). Cytogenetic location: 9q22.33.
Variant type: Deletion.
Coding change: c.207del on transcript NM_018946.4 (MANE Select); coding-DNA position 207, one base deleted (G; older notation c.207delG).
Protein change: p.Arg69fs; shifts the reading frame from arginine 69.
Molecular consequence: frameshift variant.
Genome position (GRCh38, 1-based): chr9:98,060,856, G deleted; the last of 2 consecutive G bases (chr9:98,060,855-98,060,856); deleting either gives the same sequence. VCF-style (leftmost placement, unchanged base first): chr9-98060854-AG-A. GRCh37 (hg19) VCF-style: chr9-100823136-AG-A.
Other names: short protein forms R69fs.
Identifiers: ClinVar variation 1684567 (VCV001684567.3), dbSNP rs2131619700, ClinGen allele CA2573144955.

ClinVar aggregate classification (germline): Likely pathogenic (0 of 4 stars; one submission).

Conditions:
Spondyloepimetaphyseal dysplasia, Genevieve type. Also called: NANS DEFICIENCY; SEMD Genevieve type. Identifiers: Orphanet 168454, MedGen C1864872, MONDO:0012495, OMIM 610442.

Submission:

Department of Pediatrics, Hamamatsu University School of Medicine
Classification: Likely pathogenic for Spondyloepimetaphyseal dysplasia, Genevieve type. Last evaluated: 2022-05-10. Review status: no assertion criteria provided. Collection method: clinical testing. Allele origin: germline. Inheritance: Autosomal recessive inheritance. Affected: yes. Observed: 1 compound heterozygote.
Comment: This variant was identified with c.979_981dup (rs878853268) compound heterozygously.

Literature cited by the submitters: PubMed 34163424.